The following is an entry in ClinVar:

NM_000051.4(ATM):c.7135C>G (p.Leu2379Val)

Genes: ATM (ATM serine/threonine kinase; plus strand), C11orf65 (chromosome 11 open reading frame 65; minus strand). Cytogenetic location: 11q22.3.
Variant type: single nucleotide variant.
Coding change: c.7135C>G on transcript NM_000051.4 (MANE Select); coding-DNA position 7135, C replaced by G.
Protein change: p.Leu2379Val; replaces leucine 2379 with valine.
Molecular consequence: missense variant. On other transcripts: intron variant (2).
Genome position (GRCh38, 1-based): chr11:108,329,066, C>G. VCF-style: chr11-108329066-C-G. GRCh37 (hg19) VCF-style: chr11-108199793-C-G.
Other names: c.7135C>G, p.Leu2379Val (NM_001351834.2); c.641-19995G>C (NM_001330368.2); c.*38+6154G>C (NM_001351110.2); short protein forms L2379V.
Identifiers: ClinVar variation 186475 (VCV000186475.63), dbSNP rs778888033, ClinGen allele CA194928.
Genomic context (GRCh38, chr11:108,329,066, plus strand): 5'-TGTGTTTTCTTGAAGGCAGTAGAAGTTGCTGGAAATTATGATGGAGAAAGTAGTGATGAG[C>G]TAAGAAATGGAAAAATGAAGGCATTTCTCTCATTAGCCCGGTTTTCAGATACTCAATACC-3'
Protein context (NP_000042.3, residues 2369-2389): GNYDGESSDE[Leu2379Val]RNGKMKAFLS

ClinVar aggregate classification (germline): Conflicting classifications of pathogenicity. Review status: criteria provided, conflicting classifications (1 of 4 stars). 14 submissions from 14 submitters: Uncertain significance (12); Likely benign (1). 1 of the submissions does not count toward it. Last evaluated 2026-08-24.

Conditions:
ATM-related disorder. Also called: ATM-related disorders; ATM-related condition.
Hereditary cancer-predisposing syndrome. Also called: Hereditary Cancer Syndrome; Tumor predisposition; Neoplastic Syndromes, Hereditary; Hereditary neoplastic syndrome. Identifiers: Orphanet 140162, MedGen C0027672, MeSH D009386, MONDO:0015356.
Familial cancer of breast. Also called: hereditary breast carcinoma; BREAST CANCER, FAMILIAL; Hereditary breast cancer. Identifiers: Orphanet 227535, MedGen C0346153, MONDO:0016419, OMIM 114480. Disease mechanism: loss of function.
Ataxia-telangiectasia syndrome (AT). Also called: ATAXIA-TELANGIECTASIA, COMPLEMENTATION GROUP A; ATAXIA-TELANGIECTASIA, FRESNO VARIANT; Ataxia-telangiectasia; Ataxia-telangiectasia, complementation group E; Cerebello-oculocutaneous telangiectasia; Immunodeficiency with ataxia telangiectasia. Identifiers: Orphanet 100, MedGen C0004135, MONDO:0008840, OMIM 208900.

Allele frequency attached by ClinVar (database versions not stated): gnomAD 0.00001; ExAC 0.00002; TOPMed 0.00006; gnomAD exomes 0.00005.
gnomAD v4.1: 19 of 1,613,916 alleles (0.0012%); highest among the groups gnomAD compares: Admixed American, 0.028%; no homozygotes.

Submissions 1 to 6 of 14:

PreventionGenetics, part of Exact Sciences
Classification: Uncertain significance for ATM-related condition. Last evaluated: 2026-08-24. Review status: criteria provided, single submitter. Criteria: ACMG Guidelines, 2015. Collection method: clinical testing. Allele origin: germline.
Comment: The ATM c.7135C>G variant is predicted to result in the amino acid substitution p.Leu2379Val. This variant has been reported in multiple unrelated individuals with personal and family histories of breast, ovarian, stomach, and colorectal cancers (Rofes et al. 2020. PubMed ID: 33011440), and was identified in a study of patients with multiple myeloma (Ruiz-Heredia et al. 2018. PubMed ID: 29954938). This variant leads to aberrant splicing that results in the partial deletion of exon 49 and creation of a truncated protein product; the wild-type, full-length protein product was produced in <10% of sequenced transcripts (Rofes et al. 2020. PubMed ID: 33011440). The clinical impact of this abnormal splicing is unknown. This variant is reported in 0.038% of alleles in individuals of Latino descent in gnomAD and has been interpreted as uncertain by the majority of submitters in ClinVar (Variation ID: 186475). At this time, the clinical significance of this variant is uncertain due to the absence of conclusive functional and genetic evidence.

Women's Health and Genetics/Laboratory Corporation of America, LabCorp
Classification: Uncertain significance. Last evaluated: 2026-06-25. Review status: criteria provided, single submitter. Criteria: LabCorp Variant Classification Summary - May 2015. Collection method: clinical testing. Allele origin: germline.
Comment: Variant summary: ATM c.7135C>G (p.Leu2379Val) results in a conservative amino acid change in the encoded protein sequence. Algorithms developed to predict the effect of missense changes on protein structure and function are either unavailable or do not agree on the potential impact of this missense change. Several computational tools predict a significant impact on normal splicing: Three predict the variant creates a 5' donor site. One predicts the variant no significant impact on splicing. At least one publication reports experimental evidence that this variant affects mRNA splicing, resulting in partial skipping of 173 nucleotides at 3' end of exon 49 which is predicted to result in a protein truncation (Rofes_2020). However, this study was performed on leukocyte derived RNA, therefore, the exact in-vivo implications of this finding are uncertain. Further, internal data found the splicing impact inconclusive. The variant allele was found at a frequency of 5.2e-05 in 251424 control chromosomes, predominantly at a frequency of 0.00038 within the Latino subpopulation in the gnomAD database. The observed variant frequency within Latino control individuals in the gnomAD database exceeds the estimated maximal expected allele frequency for disease-causing variants in ATM. These reports do not provide unequivocal conclusions about association of the variant with Breast Cancer. The following publications have been ascertained in the context of this evaluation (PMID: 33280026, 33011440, 29954938). ClinVar contains an entry for this variant (Variation ID: 186475). Based on the evidence outlined above, the variant was classified as uncertain significance.

Labcorp Genetics (formerly Invitae), Labcorp
Classification: Uncertain significance for Ataxia-telangiectasia syndrome. Last evaluated: 2026-01-20. Review status: criteria provided, single submitter. Criteria: Invitae Variant Classification Sherloc (09022015). Collection method: clinical testing. Allele origin: germline.
Comment: This sequence change replaces leucine, which is neutral and non-polar, with valine, which is neutral and non-polar, at codon 2379 of the ATM protein (p.Leu2379Val). This variant is present in population databases (rs778888033, gnomAD 0.04%). This variant has not been reported in the literature in individuals affected with ATM-related conditions. This variant has been observed to co-occur in individuals with a different variant in ATM gene that has been determined to be pathogenic (internal data), but the significance of this finding is unclear. ClinVar contains an entry for this variant (Variation ID: 186475). Invitae Evidence Modeling of protein sequence and biophysical properties (such as structural, functional, and spatial information, amino acid conservation, physicochemical variation, residue mobility, and thermodynamic stability) indicates that this missense variant is not expected to disrupt ATM protein function with a negative predictive value of 95%. Studies have shown that this missense change alters mRNA splicing and is expected to lead to the loss of protein expression. However, the splicing effect is incomplete and of unknown impact (PMID: 33011440; internal data) In summary, the available evidence is currently insufficient to determine the role of this variant in disease. Therefore, it has been classified as a Variant of Uncertain Significance.

Ambry Genetics
Classification: Uncertain significance for Hereditary cancer-predisposing syndrome. Last evaluated: 2025-12-01. Review status: criteria provided, single submitter. Criteria: Ambry Variant Classification Scheme 2023. Collection method: clinical testing. Allele origin: germline.
Comment: The p.L2379V variant (also known as c.7135C>G), located in coding exon 48 of the ATM gene, results from a C to G substitution at nucleotide position 7135. The leucine at codon 2379 is replaced by valine, an amino acid with highly similar properties. RNA analysis from carrier-derived lymphocytes has shown that this variant leads to a partial skipping of 173nt at the 3' end of exon 49 resulting in a truncated protein, however, they also observed approximately 10% of full-length transcripts also carrying this variant (Rofes P et al. J Mol Diagn, 2020 12;22:1453-1468). This amino acid position is well conserved in available vertebrate species. In addition, this alteration is predicted to be tolerated by in silico analysis. In silico splice site analysis predicts that this alteration will result in the creation or strengthening of a novel splice donor site. Internal RNA studies have demonstrated that this alteration results in an incomplete splice defect; the clinical impact of this abnormal splicing is unknown at this time (Ambry internal data). Based on the available evidence, the clinical significance of this variant remains unclear.

GeneDx
Classification: Uncertain significance. Last evaluated: 2024-08-07. Review status: criteria provided, single submitter. Criteria: GeneDx Variant Classification Process June 2021. Collection method: clinical testing. Allele origin: germline. Affected: yes.
Comment: Identified in individuals with personal or family history of breast and/or other cancers (PMID: 33011440, 38049230); Published RNA studies demonstrate aberrant splicing resulting in partial skipping of exon 49 identified in the majority of transcripts and less than 10% full-length transcript (PMID: 33011440); In silico analysis indicates that this missense variant does not alter protein structure/function; In silico analysis supports a deleterious effect on splicing; This variant is associated with the following publications: (PMID: 29954938, 30761385, 33280026, 33471991, 33011440, 38049230, 23532176)

Myriad Genetics, Inc.
Classification: Likely benign for Familial cancer of breast. Last evaluated: 2024-06-13. Review status: criteria provided, single submitter. Criteria: Myriad Autosomal Dominant, Autosomal Recessive and X-Linked Classification Criteria (2023). Collection method: clinical testing. Allele origin: unknown.
Comment: This variant is considered likely benign. This variant is strongly associated with less severe personal and family histories of cancer, typical for individuals without pathogenic variants in this gene [PMID: 25085752].